The following is an entry in ClinVar:

ClinVar aggregate classification (germline): Uncertain significance (1 of 4 stars; one submission).

Conditions:
COL11A1-related disorder. Also called: COL11A1-related condition; COL11A1-related disorders.

Submission:

PreventionGenetics, part of Exact Sciences
Classification: Uncertain significance for COL11A1-related condition. Last evaluated: 2026-07-02. Review status: criteria provided, single submitter. Criteria: ACMG Guidelines, 2015. Collection method: clinical testing. Allele origin: germline.
Comment: The COL11A1 c.3915_3920del6 variant is predicted to result in an in-frame deletion (p.Lys1305_Gly1306del). To our knowledge, this variant has not been reported in the literature. This variant is absent in a large population database (gnomAD), indicating this variant is rare. At this time, the clinical significance of this variant is uncertain due to the absence of conclusive functional and genetic evidence.

NM_001854.4(COL11A1):c.3915_3920del (p.Lys1305_Gly1306del)

Gene: COL11A1 (collagen type XI alpha 1 chain; minus strand). Cytogenetic location: 1p21.1.
Variant type: Deletion.
Coding change: c.3915_3920del on transcript NM_001854.4 (MANE Select); coding-DNA positions 3915 to 3920, 6 bases deleted (GGGTAA; older notation c.3915_3920delGGGTAA).
Protein change: p.Lys1305_Gly1306del.
Molecular consequence: inframe deletion. On other transcripts: non-coding transcript variant (1).
Genome position (GRCh38, 1-based): chr1:102,914,708-102,914,713, TTACCC deleted on the plus strand (GGGTAA on the coding strand, the reverse complement: COL11A1 is on the minus strand); deleting any 6 consecutive bases within chr1:102,914,708-102,914,716 gives the same sequence; the c. name uses the placement nearest the transcript's 3' end. VCF-style (leftmost placement, unchanged base first): chr1-102914707-GTTACCC-G. GRCh37 (hg19) VCF-style: chr1-103380263-GTTACCC-G.
Other names: c.3798_3803del, p.Lys1266_Gly1267del (NM_001190709.2); c.3951_3956del, p.Lys1317_Gly1318del (NM_080629.3); c.3567_3572del, p.Lys1189_Gly1190del (NM_080630.4).
Identifiers: ClinVar variation 4993444 (VCV004993444.1).